The following is an entry in ClinVar:

NM_177550.5(SLC13A5):c.1454T>C (p.Leu485Pro)

Gene: SLC13A5 (solute carrier family 13 member 5; minus strand). Cytogenetic location: 17p13.1.
Variant type: single nucleotide variant.
Coding change: c.1454T>C on transcript NM_177550.5 (MANE Select); coding-DNA position 1454, T replaced by C.
Protein change: p.Leu485Pro; replaces leucine 485 with proline.
Molecular consequence: missense variant. On other transcripts: intron variant (1).
Genome position (GRCh38, 1-based): chr17:6,687,650, A>G on the plus strand (T>C on the coding strand, the complement: SLC13A5 is on the minus strand). VCF-style: chr17-6687650-A-G. GRCh37 (hg19) VCF-style: chr17-6590969-A-G.
Other names: c.1403T>C, p.Leu468Pro (NM_001284509.2); c.1325T>C, p.Leu442Pro (NM_001284510.2); c.1438-1312T>C (NM_001143838.3); short protein forms L442P, L468P, L485P.
Identifiers: ClinVar variation 1433548 (VCV001433548.6), dbSNP rs148049520, ClinGen allele CA397738446.

ClinVar aggregate classification (germline): Uncertain significance (1 of 4 stars; one submission).

Conditions:
Developmental and epileptic encephalopathy, 25 (DEE25). Also called: Epileptic encephalopathy, early infantile, 25; Developmental and epileptic encephalopathy 25, with amelogenesis imperfecta; Epileptic encephalopathy, early infantile, 25, with amelogenesis imperfecta. Identifiers: Orphanet 442835, MedGen C4014621, MONDO:0014392, OMIM 615905.

Submission:

Labcorp Genetics (formerly Invitae), Labcorp
Classification: Uncertain significance for Developmental and epileptic encephalopathy, 25. Last evaluated: 2021-11-02. Review status: criteria provided, single submitter. Criteria: Invitae Variant Classification Sherloc (09022015). Collection method: clinical testing. Allele origin: germline.
Comment: This variant is not present in population databases (gnomAD no frequency). This sequence change replaces leucine, which is neutral and non-polar, with proline, which is neutral and non-polar, at codon 485 of the SLC13A5 protein (p.Leu485Pro). This variant has not been reported in the literature in individuals affected with SLC13A5-related conditions. In summary, the available evidence is currently insufficient to determine the role of this variant in disease. Therefore, it has been classified as a Variant of Uncertain Significance. Algorithms developed to predict the effect of missense changes on protein structure and function (SIFT, PolyPhen-2, Align-GVGD) all suggest that this variant is likely to be disruptive.